The following is an entry in ClinVar:

NM_018834.6(MATR3):c.1885_1887del (p.Glu629del)

Genes: MATR3 (matrin 3; plus strand), LOC126807526 (CDK7 strongly-dependent group 2 enhancer GRCh37_chr5:138657767-138658966; plus strand). Cytogenetic location: 5q31.2.
Variant type: Deletion.
Coding change: c.1885_1887del on transcript NM_018834.6 (MANE Select); coding-DNA positions 1885 to 1887, 3 bases deleted (GAG; older notation c.1885_1887delGAG).
Protein change: p.Glu629del; deletes glutamic acid 629.
Molecular consequence: inframe deletion.
Genome position (GRCh38, 1-based): chr5:139,322,704-139,322,706, GAG deleted. VCF-style (leftmost placement, unchanged base first): chr5-139322703-AGAG-A. GRCh37 (hg19) VCF-style: chr5-138658392-AGAG-A.
Other names: c.1885_1887del, p.Glu629del (NM_001194954.2, NM_001194955.2, NM_199189.3); c.1021_1023del, p.Glu341del (NM_001194956.2); c.871_873del, p.Glu291del (NM_001282278.2); short protein forms E341del, E629del, E291del.
Identifiers: ClinVar variation 862631 (VCV000862631.10), dbSNP rs1186297721, ClinGen allele CA563498384.

ClinVar aggregate classification (germline): Uncertain significance (1 of 4 stars; one submission).

Conditions:
Amyotrophic lateral sclerosis type 21. Also called: VOCAL CORD AND PHARYNGEAL DYSFUNCTION WITH DISTAL MYOPATHY; MYOPATHY, DISTAL, 2. Identifiers: Orphanet 600, Orphanet 803, MedGen C3807521, MONDO:0011632, OMIM 606070.

Allele frequency attached by ClinVar (database versions not stated): gnomAD 0.00001; TOPMed 0.00001.

Submission:

Labcorp Genetics (formerly Invitae), Labcorp
Classification: Uncertain significance for Amyotrophic lateral sclerosis type 21. Last evaluated: 2020-02-14. Review status: criteria provided, single submitter. Criteria: Invitae Variant Classification Sherloc (09022015). Collection method: clinical testing. Allele origin: germline.
Comment: In summary, the available evidence is currently insufficient to determine the role of this variant in disease. Therefore, it has been classified as a Variant of Uncertain Significance. Experimental studies and prediction algorithms are not available for this variant, and the functional significance of the affected amino acid(s) is currently unknown. This variant has not been reported in the literature in individuals with MATR3-related conditions. This variant is not present in population databases (ExAC no frequency). This variant, c.1885_1887del, results in the deletion of 1 amino acid(s) of the MATR3 protein (p.Glu629del), but otherwise preserves the integrity of the reading frame.